The following is an entry in ClinVar:

NM_000064.4(C3):c.826C>G (p.Gln276Glu)

Gene: C3 (complement C3; minus strand). Cytogenetic location: 19p13.3.
Variant type: single nucleotide variant.
Coding change: c.826C>G on transcript NM_000064.4 (MANE Select); coding-DNA position 826, C replaced by G.
Protein change: p.Gln276Glu; replaces glutamine 276 with glutamic acid.
Molecular consequence: missense variant.
Genome position (GRCh38, 1-based): chr19:6,713,457, G>C on the plus strand (C>G on the coding strand, the complement: C3 is on the minus strand). VCF-style: chr19-6713457-G-C. GRCh37 (hg19) VCF-style: chr19-6713468-G-C.
Other names: short protein forms Q276E.
Identifiers: ClinVar variation 1163120 (VCV001163120.9), dbSNP rs374873555, ClinGen allele CA9129657.

ClinVar aggregate classification (germline): Uncertain significance. Review status: criteria provided, multiple submitters, no conflicts (2 of 4 stars). 2 submissions from 2 submitters: Uncertain significance (2). Last evaluated 2025-03-30.

Allele frequency attached by ClinVar (database versions not stated): gnomAD exomes 0.00001 and 0.00002; ExAC 0.00002; ESP Exome Variant Server 0.00015; gnomAD 0.00015 and 0.00018; 1000 Genomes Project 30x 0.00016; TOPMed 0.00019; 1000 Genomes Project 0.00020.
gnomAD v4.1: 46 of 1,613,938 alleles (0.0029%); highest among the groups gnomAD compares: African/African-American, 0.037%; no homozygotes.

Submissions (2):

Labcorp Genetics (formerly Invitae), Labcorp
Classification: Uncertain significance. Last evaluated: 2025-03-30. Review status: criteria provided, single submitter. Criteria: Invitae Variant Classification Sherloc (09022015). Collection method: clinical testing. Allele origin: germline.
Comment: This sequence change replaces glutamine, which is neutral and polar, with glutamic acid, which is acidic and polar, at codon 276 of the C3 protein (p.Gln276Glu). This variant is present in population databases (rs374873555, gnomAD 0.03%). This variant has not been reported in the literature in individuals affected with C3-related conditions. ClinVar contains an entry for this variant (Variation ID: 1163120). Invitae Evidence Modeling of protein sequence and biophysical properties (such as structural, functional, and spatial information, amino acid conservation, physicochemical variation, residue mobility, and thermodynamic stability) indicates that this missense variant is not expected to disrupt C3 protein function with a negative predictive value of 80%. In summary, the available evidence is currently insufficient to determine the role of this variant in disease. Therefore, it has been classified as a Variant of Uncertain Significance.

Mayo Clinic Laboratories, Mayo Clinic
Classification: Uncertain significance. Last evaluated: 2020-06-03. Review status: criteria provided, single submitter. Criteria: ACMG Guidelines, 2015. Collection method: clinical testing. Allele origin: germline. Observed: 1 variant allele.